The following is an entry in ClinVar:

NM_003104.6(SORD):c.435C>G (p.Asp145Glu)

Gene: SORD (sorbitol dehydrogenase; plus strand). Cytogenetic location: 15q21.1.
Variant type: single nucleotide variant.
Coding change: c.435C>G on transcript NM_003104.6 (MANE Select); coding-DNA position 435, C replaced by G.
Protein change: p.Asp145Glu; replaces aspartic acid 145 with glutamic acid.
Molecular consequence: missense variant. On other transcripts: non-coding transcript variant (1).
Genome position (GRCh38, 1-based): chr15:45,065,280, C>G. VCF-style: chr15-45065280-C-G. GRCh37 (hg19) VCF-style: chr15-45357478-C-G.
Other names: short protein forms D145E.
Identifiers: ClinVar variation 3239151 (VCV003239151.19), dbSNP rs1189951542.

ClinVar aggregate classification (germline): Uncertain significance (1 of 4 stars; one submission).

Allele frequency attached by ClinVar (database versions not stated): gnomAD 0.00001.
gnomAD v4.1: 12 of 1,613,334 alleles (0.00074%); highest among the groups gnomAD compares: East Asian, 0.018%; no homozygotes.

Submission:

CeGaT Center for Human Genetics Tuebingen
Classification: Uncertain significance. Last evaluated: 2024-05-01. Review status: criteria provided, single submitter. Criteria: CeGaT Center For Human Genetics Tuebingen Variant Classification Criteria Version 2. Collection method: clinical testing. Allele origin: germline. Affected: yes. Observed: 1 variant allele.
Comment: SORD: PM2